The following is an entry in ClinVar:

NM_000059.4(BRCA2):c.8768A>G (p.Glu2923Gly)

Gene: BRCA2 (BRCA2 DNA repair associated; plus strand). Cytogenetic location: 13q13.1.
Variant type: single nucleotide variant.
Coding change: c.8768A>G on transcript NM_000059.4 (MANE Select); coding-DNA position 8768, A replaced by G.
Protein change: p.Glu2923Gly; replaces glutamic acid 2923 with glycine.
Molecular consequence: missense variant.
Genome position (GRCh38, 1-based): chr13:32,379,330, A>G. VCF-style: chr13-32379330-A-G. GRCh37 (hg19) VCF-style: chr13-32953467-A-G.
Other names: short protein forms E2923G.
Identifiers: ClinVar variation 822720 (VCV000822720.20), dbSNP rs1593936528, ClinGen allele CA387755781.

ClinVar aggregate classification (germline): Conflicting classifications of pathogenicity. Review status: criteria provided, conflicting classifications (1 of 4 stars). 3 submissions from 3 submitters: Uncertain significance (2); Likely benign (1). Last evaluated 2025-04-24.

Conditions:
Hereditary cancer-predisposing syndrome. Also called: Tumor predisposition; Hereditary Cancer Syndrome; Neoplastic Syndromes, Hereditary; Hereditary neoplastic syndrome. Identifiers: Orphanet 140162, MedGen C0027672, MeSH D009386, MONDO:0015356.
Hereditary breast ovarian cancer syndrome. Also called: Hereditary breast and ovarian cancer; Breast and ovarian cancer; Hereditary breast and/or ovarian cancer syndrome; Hereditary breast and ovarian cancer syndrome; BRCA1- and BRCA2-Associated Hereditary Breast and Ovarian Cancer; Hereditary breast and ovarian cancer syndrome (HBOC). Identifiers: Orphanet 145, MedGen C0677776, MeSH D061325, MONDO:0003582. Disease mechanism: loss of function.

Submissions (3):

Ambry Genetics
Classification: Likely benign for Hereditary cancer-predisposing syndrome. Last evaluated: 2025-04-24. Review status: criteria provided, single submitter. Criteria: Ambry Variant Classification Scheme 2023. Collection method: clinical testing. Allele origin: germline.

Labcorp Genetics (formerly Invitae), Labcorp
Classification: Uncertain significance for Hereditary breast ovarian cancer syndrome. Last evaluated: 2022-08-26. Review status: criteria provided, single submitter. Criteria: Invitae Variant Classification Sherloc (09022015). Collection method: clinical testing. Allele origin: germline.
Comment: This sequence change replaces glutamic acid, which is acidic and polar, with glycine, which is neutral and non-polar, at codon 2923 of the BRCA2 protein (p.Glu2923Gly). This variant is not present in population databases (gnomAD no frequency). This variant has not been reported in the literature in individuals affected with BRCA2-related conditions. ClinVar contains an entry for this variant (Variation ID: 822720). Advanced modeling of protein sequence and biophysical properties (such as structural, functional, and spatial information, amino acid conservation, physicochemical variation, residue mobility, and thermodynamic stability) performed at Invitae indicates that this missense variant is not expected to disrupt BRCA2 protein function. In summary, the available evidence is currently insufficient to determine the role of this variant in disease. Therefore, it has been classified as a Variant of Uncertain Significance.

Color Diagnostics, LLC DBA Color Health
Classification: Uncertain significance for Hereditary cancer-predisposing syndrome. Last evaluated: 2021-10-01. Review status: criteria provided, single submitter. Criteria: ACMG Guidelines, 2015. Collection method: clinical testing. Allele origin: germline.
Comment: This missense variant replaces glutamic acid with glycine at codon 2923 of the BRCA2 protein. Computational prediction suggests that this variant may not impact protein structure and function (internally defined REVEL score threshold <= 0.5, PMID: 27666373). To our knowledge, functional studies have not been reported for this variant. This variant has been detected in three individuals affected with breast cancer (PMID: 33471991; Leiden Open Variation Database DB-ID BRCA2_008707). This variant has not been identified in the general population by the Genome Aggregation Database (gnomAD). The available evidence is insufficient to determine the role of this variant in disease conclusively. Therefore, this variant is classified as a Variant of Uncertain Significance.

Literature cited by the submitters: PubMed 39779848 (cited by Ambry Genetics); PubMed 39779857 (cited by Ambry Genetics); PubMed 33471991 (cited by Color Diagnostics, LLC DBA Color Health).